The following is an entry in ClinVar:

NM_004304.5(ALK):c.4115A>C (p.Asp1372Ala)

Gene: ALK (ALK receptor tyrosine kinase; minus strand). Cytogenetic location: 2p23.2.
Variant type: single nucleotide variant.
Coding change: c.4115A>C on transcript NM_004304.5 (MANE Select); coding-DNA position 4115, A replaced by C.
Protein change: p.Asp1372Ala; replaces aspartic acid 1372 with alanine.
Molecular consequence: missense variant.
Genome position (GRCh38, 1-based): chr2:29,196,819, T>G on the plus strand (A>C on the coding strand, the complement: ALK is on the minus strand). VCF-style: chr2-29196819-T-G. GRCh37 (hg19) VCF-style: chr2-29419685-T-G.
Other names: c.911A>C, p.Asp304Ala (NM_001353765.2); short protein forms D1372A, D304A.
Identifiers: ClinVar variation 4273180 (VCV004273180.1).

ClinVar aggregate classification (germline): Uncertain significance (1 of 4 stars; one submission).

Conditions:
Hereditary cancer-predisposing syndrome. Also called: Hereditary Cancer Syndrome; Hereditary neoplastic syndrome; Neoplastic Syndromes, Hereditary; Tumor predisposition. Identifiers: Orphanet 140162, MedGen C0027672, MeSH D009386, MONDO:0015356.

gnomAD v4.1: 1 of 1,614,222 alleles (0.000062%); highest among the groups gnomAD compares: South Asian, 0.0011%; no homozygotes.

Submission:

Ambry Genetics
Classification: Uncertain significance for Hereditary cancer-predisposing syndrome. Last evaluated: 2025-09-02. Review status: criteria provided, single submitter. Criteria: Ambry Variant Classification Scheme 2023. Collection method: clinical testing. Allele origin: germline.
Comment: The p.D1372A variant (also known as c.4115A>C), located in coding exon 28 of the ALK gene, results from an A to C substitution at nucleotide position 4115. The aspartic acid at codon 1372 is replaced by alanine, an amino acid with dissimilar properties. This amino acid position is conserved. In addition, this alteration is predicted to be deleterious by in silico analysis. Based on the available evidence, the clinical significance of this variant remains unclear.